The following is an entry in ClinVar:

NM_004385.5(VCAN):c.10177G>A (p.Glu3393Lys)

Gene: VCAN (versican; plus strand). Cytogenetic location: 5q14.3.
Variant type: single nucleotide variant.
Coding change: c.10177G>A on transcript NM_004385.5 (MANE Select); coding-DNA position 10177, G replaced by A.
Protein change: p.Glu3393Lys; replaces glutamic acid 3393 with lysine.
Molecular consequence: missense variant.
Genome position (GRCh38, 1-based): chr5:83,580,420, G>A. VCF-style: chr5-83580420-G-A. GRCh37 (hg19) VCF-style: chr5-82876239-G-A.
Other names: c.1954G>A, p.Glu652Lys (NM_001126336.3); c.7216G>A, p.Glu2406Lys (NM_001164097.2); c.4915G>A, p.Glu1639Lys (NM_001164098.2); short protein forms E1639K, E2406K, E652K, E3393K.
Identifiers: ClinVar variation 4704119 (VCV004704119.1).

ClinVar aggregate classification (germline): Uncertain significance (1 of 4 stars; one submission).

gnomAD v4.1: 3 of 1,613,678 alleles (0.00019%); highest among the groups gnomAD compares: African/African-American, 0.004%; no homozygotes.

Submission:

Labcorp Genetics (formerly Invitae), Labcorp
Classification: Uncertain significance. Last evaluated: 2025-11-22. Review status: criteria provided, single submitter. Criteria: Invitae Variant Classification Sherloc (09022015). Collection method: clinical testing. Allele origin: germline.
Comment: This sequence change replaces glutamic acid, which is acidic and polar, with lysine, which is basic and polar, at codon 3393 of the VCAN protein (p.Glu3393Lys). This variant is present in population databases (rs375801424, gnomAD 0.02%). This variant has not been reported in the literature in individuals affected with VCAN-related conditions. An algorithm developed to predict the effect of missense changes on protein structure and function (PolyPhen-2) suggests that this variant is likely to be disruptive. In summary, the available evidence is currently insufficient to determine the role of this variant in disease. Therefore, it has been classified as a Variant of Uncertain Significance.